The following is an entry in ClinVar:

ClinVar aggregate classification (germline): Pathogenic. Review status: criteria provided, multiple submitters, no conflicts (2 of 4 stars). 2 submissions from 2 submitters: Pathogenic (2). Last evaluated 2025-04-18.

Allele frequency attached by ClinVar (database versions not stated): TOPMed below 0.00001.
gnomAD v4.1: 2 of 1,613,162 alleles (0.00012%); highest among the groups gnomAD compares: Admixed American, 0.0017%; no homozygotes.

Submissions (2):

Labcorp Genetics (formerly Invitae), Labcorp
Classification: Pathogenic. Last evaluated: 2025-04-18. Review status: criteria provided, single submitter. Criteria: Invitae Variant Classification Sherloc (09022015). Collection method: clinical testing. Allele origin: germline.
Comment: This sequence change creates a premature translational stop signal (p.Trp5753*) in the ADGRV1 gene. It is expected to result in an absent or disrupted protein product. Loss-of-function variants in ADGRV1 are known to be pathogenic (PMID: 19357117, 22135276, 22147658, 26226137, 30718709, 31047384, 32467589). This variant is present in population databases (no rsID available, gnomAD 0.006%). This variant has not been reported in the literature in individuals affected with ADGRV1-related conditions. ClinVar contains an entry for this variant (Variation ID: 2571801). Algorithms developed to predict the effect of sequence changes on RNA splicing suggest that this variant may disrupt the consensus splice site. For these reasons, this variant has been classified as Pathogenic.

GeneDx
Classification: Pathogenic. Last evaluated: 2023-06-20. Review status: criteria provided, single submitter. Criteria: GeneDx Variant Classification Process June 2021. Collection method: clinical testing. Allele origin: germline. Affected: yes.
Comment: Reported in a patient with inherited retinal disease in published literature (Hanany et al., 2020); Nonsense variant predicted to result in protein truncation or nonsense mediated decay in a gene for which loss-of-function is a known mechanism of disease; Not observed at significant frequency in large population cohorts (gnomAD); This variant is associated with the following publications: (PMID: 31964843)

Literature cited by the submitters: PubMed 19357117 (cited by Labcorp Genetics (formerly Invitae), Labcorp); PubMed 22135276 (cited by Labcorp Genetics (formerly Invitae), Labcorp); PubMed 22147658 (cited by Labcorp Genetics (formerly Invitae), Labcorp); PubMed 26226137 (cited by Labcorp Genetics (formerly Invitae), Labcorp); PubMed 30718709 (cited by Labcorp Genetics (formerly Invitae), Labcorp); PubMed 31047384 (cited by Labcorp Genetics (formerly Invitae), Labcorp); PubMed 32467589 (cited by Labcorp Genetics (formerly Invitae), Labcorp).

NM_032119.4(ADGRV1):c.17258G>A (p.Trp5753Ter)

Gene: ADGRV1 (adhesion G protein-coupled receptor V1; plus strand). Cytogenetic location: 5q14.3.
Variant type: single nucleotide variant.
Coding change: c.17258G>A on transcript NM_032119.4 (MANE Select); coding-DNA position 17258, G replaced by A.
Protein change: p.Trp5753Ter; replaces tryptophan 5753 with a stop codon.
Molecular consequence: nonsense. On other transcripts: non-coding transcript variant (1).
Genome position (GRCh38, 1-based): chr5:90,853,337, G>A. VCF-style: chr5-90853337-G-A. GRCh37 (hg19) VCF-style: chr5-90149154-G-A.
Other names: short protein forms W5753*.
Identifiers: ClinVar variation 2571801 (VCV002571801.2), dbSNP rs1383088146, ClinGen allele CA360429955.